The following is an entry in ClinVar:

ClinVar aggregate classification (germline): Pathogenic (1 of 4 stars; one submission).

Submission:

Labcorp Genetics (formerly Invitae), Labcorp
Classification: Pathogenic. Last evaluated: 2022-02-05. Review status: criteria provided, single submitter. Criteria: Invitae Variant Classification Sherloc (09022015). Collection method: clinical testing. Allele origin: germline.
Comment: For these reasons, this variant has been classified as Pathogenic. This variant disrupts a region of the BMP2 protein in which other variant(s) (p.Cys329*) have been determined to be pathogenic (PMID: 29198724). This suggests that this is a clinically significant region of the protein, and that variants that disrupt it are likely to be disease-causing. Variants that disrupt the consensus splice site are a relatively common cause of aberrant splicing (PMID: 17576681, 9536098). This variant has not been reported in the literature in individuals affected with BMP2-related conditions. This variant is not present in population databases (gnomAD no frequency). This sequence change affects a donor splice site in intron 2 of the BMP2 gene. While this variant is not anticipated to result in nonsense mediated decay, it likely alters RNA splicing and results in a disrupted protein product.

Literature cited by the submitters: PubMed 29198724; PubMed 17576681; PubMed 9536098.

NM_001200.4(BMP2):c.346+2T>C

Gene: BMP2 (bone morphogenetic protein 2; plus strand). Cytogenetic location: 20p12.3.
Variant type: single nucleotide variant.
Coding change: c.346+2T>C on transcript NM_001200.4 (MANE Select); the canonical splice donor site of the intron after coding-DNA position 346, T replaced by C.
Molecular consequence: splice donor variant.
Genome position (GRCh38, 1-based): chr20:6,770,474, T>C. VCF-style: chr20-6770474-T-C. GRCh37 (hg19) VCF-style: chr20-6751121-T-C.
Identifiers: ClinVar variation 1453645 (VCV001453645.8), dbSNP rs2122377023, ClinGen allele CA408260747.
Genomic context (GRCh38, chr20:6,770,474, plus strand): 5'-CCACCGGTTGGAGAGGGCAGCCAGCCGAGCCAACACTGTGCGCAGCTTCCACCATGAAGG[T>C]GAGGCATGGAGCAGGGCGTGGGGGCGGGGAGTCACCCTGCAAAGCCCTCCACCGTGGGCA-3'